The following is an entry in ClinVar:

ClinVar aggregate classification (germline): Uncertain significance (1 of 4 stars; one submission).

Conditions:
Dent disease type 2. Identifiers: Orphanet 1652, Orphanet 93623, MedGen C1845167, MONDO:0010359, OMIM 300555.

Submission:

Victorian Clinical Genetics Services, Murdoch Childrens Research Institute
Classification: Uncertain significance for Dent disease type 2. Last evaluated: 2023-07-16. Review status: criteria provided, single submitter. Criteria: ACMG Guidelines, 2015. Collection method: clinical testing. Allele origin: germline. Inheritance: X-linked recessive inheritance. Affected: yes.
Comment: Based on the classification scheme VCGS_Germline_v1.3.4, this variant is classified as VUS-3A. Following criteria are met: 0102 - Loss of function is a known mechanism of disease in this gene and is associated with Dent disease 2 (MIM#300555) and Lowe syndrome (MIM#309000). (I) 0109 - This gene is associated with X-linked recessive disease. (I) 0200 - Variant is predicted to result in a missense amino acid change from methionine to lysine. (I) 0253 - This variant is hemizygous. (I) 0301 - Variant is absent from gnomAD (both v2 and v3). (SP) 0309 - An alternative amino acid change at the same position has been observed in gnomAD (v2) (0 heterozygotes, 0 homozygotes, 1 hemizygote). (I) 0501 - Missense variant consistently predicted to be damaging by multiple in silico tools or highly conserved with a major amino acid change. (SP) 0600 - Variant is located in the annotated Exo_endo_phos domain (DECIPHER). (I) 0705 - No comparable missense variants have previous evidence for pathogenicity. (I) 0807 - This variant has no previous evidence of pathogenicity. (I) 0905 - No published segregation evidence has been identified for this variant. (I) 1007 - No published functional evidence has been identified for this variant. (I) 1102 - Strong phenotype match for this individual. (SP) 1208 - Inheritance information for this variant is not currently available in this individual. (I) Legend: (SP) - Supporting pathogenic, (I) - Information, (SB) - Supporting benign

NM_000276.4(OCRL):c.1190T>A (p.Met397Lys)

Gene: OCRL (OCRL inositol polyphosphate-5-phosphatase; plus strand). Cytogenetic location: Xq26.1.
Variant type: single nucleotide variant.
Coding change: c.1190T>A on transcript NM_000276.4 (MANE Select); coding-DNA position 1190, T replaced by A.
Protein change: p.Met397Lys; replaces methionine 397 with lysine.
Molecular consequence: missense variant.
Genome position (GRCh38, 1-based): chrX:129,562,732, T>A. VCF-style: chrX-129562732-T-A. GRCh37 (hg19) VCF-style: chrX-128696709-T-A.
Other names: c.1193T>A, p.Met398Lys (NM_001318784.2); c.1190T>A, p.Met397Lys (NM_001587.4); short protein forms M397K, M398K.
Identifiers: ClinVar variation 1805911 (VCV001805911.2), dbSNP rs2521890240, ClinGen allele CA414553025.